The following is an entry in ClinVar:

NM_147127.5(EVC2):c.886G>A (p.Gly296Ser)

Gene: EVC2 (EvC ciliary complex subunit 2; minus strand). Cytogenetic location: 4p16.2.
Variant type: single nucleotide variant.
Coding change: c.886G>A on transcript NM_147127.5 (MANE Select); coding-DNA position 886, G replaced by A.
Protein change: p.Gly296Ser; replaces glycine 296 with serine.
Molecular consequence: missense variant.
Genome position (GRCh38, 1-based): chr4:5,665,634, C>T on the plus strand (G>A on the coding strand, the complement: EVC2 is on the minus strand). VCF-style: chr4-5665634-C-T. GRCh37 (hg19) VCF-style: chr4-5667361-C-T.
Other names: c.646G>A, p.Gly216Ser (NM_001166136.2); c.886G>A (NM_147127.4); short protein forms G216S, G296S.
Identifiers: ClinVar variation 2155698 (VCV002155698.2), dbSNP rs200998624, ClinGen allele CA2835241.

ClinVar aggregate classification (germline): Uncertain significance. Review status: criteria provided, multiple submitters, no conflicts (2 of 4 stars). 2 submissions from 2 submitters: Uncertain significance (2). Last evaluated 2025-04-02.

Conditions:
Inborn genetic diseases. Identifiers: MedGen C0950123, MeSH D030342.
Ellis-van Creveld syndrome (EVC). Also called: MESOECTODERMAL DYSPLASIA; Chondroectodermal dysplasia; EVC-Related Ellis-van Creveld Syndrome; EVC2-Related Ellis-van Creveld Syndrome. Identifiers: Orphanet 289, MedGen C0013903, MONDO:0009162, OMIM 225500.
Curry-Hall syndrome (WAD). Also called: WEYERS ACRODENTAL DYSOSTOSIS. Identifiers: Orphanet 952, MedGen C0457013, MONDO:0008673, OMIM 193530.

Allele frequency attached by ClinVar (database versions not stated): ExAC 0.00001; gnomAD exomes 0.00001; gnomAD 0.00002; 1000 Genomes Project 0.00020; TOPMed 0.00003; 1000 Genomes Project 30x 0.00016.
gnomAD v4.1: 14 of 1,614,166 alleles (0.00087%); highest among the groups gnomAD compares: East Asian, 0.0022%; no homozygotes.

Submissions (2):

Ambry Genetics
Classification: Uncertain significance for Inborn genetic diseases. Last evaluated: 2025-04-02. Review status: criteria provided, single submitter. Criteria: Ambry Variant Classification Scheme 2023. Collection method: clinical testing. Allele origin: germline.

Labcorp Genetics (formerly Invitae), Labcorp
Classification: Uncertain significance for Curry-Hall syndrome; Ellis-van Creveld syndrome. Last evaluated: 2022-03-11. Review status: criteria provided, single submitter. Criteria: Invitae Variant Classification Sherloc (09022015). Collection method: clinical testing. Allele origin: germline.
Comment: This sequence change replaces glycine, which is neutral and non-polar, with serine, which is neutral and polar, at codon 296 of the EVC2 protein (p.Gly296Ser). This variant is present in population databases (rs200998624, gnomAD 0.0009%). This variant has not been reported in the literature in individuals affected with EVC2-related conditions. Algorithms developed to predict the effect of missense changes on protein structure and function are either unavailable or do not agree on the potential impact of this missense change (SIFT: "Tolerated"; PolyPhen-2: "Probably Damaging"; Align-GVGD: "Class C0"). Algorithms developed to predict the effect of sequence changes on RNA splicing suggest that this variant may create or strengthen a splice site. In summary, the available evidence is currently insufficient to determine the role of this variant in disease. Therefore, it has been classified as a Variant of Uncertain Significance.